The following is an entry in ClinVar:

ClinVar aggregate classification (germline): Conflicting classifications of pathogenicity. Review status: criteria provided, conflicting classifications (1 of 4 stars). 3 submissions from 3 submitters: Uncertain significance (1); Likely benign (1). 1 of the submissions does not count toward it. Last evaluated 2025-10-07.

Conditions:
DNAH7-related disorder. Also called: DNAH7-related condition.

Allele frequency attached by ClinVar (database versions not stated): ExAC 0.00059; TOPMed 0.00204; 1000 Genomes Project 30x 0.00219; ESP Exome Variant Server 0.00223; gnomAD exomes 0.00046; gnomAD 0.00202 and 0.00222; 1000 Genomes Project 0.00240.
gnomAD v4.1: 562 of 1,614,084 alleles (0.035%); highest among the groups gnomAD compares: African/African-American, 0.68%; 2 homozygotes.

Submissions (3):

Ambry Genetics
Classification: Uncertain significance. Last evaluated: 2025-10-07. Review status: criteria provided, single submitter. Criteria: Ambry Variant Classification Scheme 2023. Collection method: clinical testing. Allele origin: germline.

Labcorp Genetics (formerly Invitae), Labcorp
Classification: Likely benign. Last evaluated: 2019-12-31. Review status: criteria provided, single submitter. Criteria: Invitae Variant Classification Sherloc (09022015). Collection method: clinical testing. Allele origin: germline.

PreventionGenetics, part of Exact Sciences
Classification: Benign for DNAH7-related condition. Last evaluated: 2019-11-08. Review status: no assertion criteria provided. Collection method: clinical testing. Allele origin: germline. Not counted in ClinVar's aggregate classification.
Comment: This variant is classified as benign based on ACMG/AMP sequence variant interpretation guidelines (Richards et al. 2015 PMID: 25741868, with internal and published modifications).

NM_018897.3(DNAH7):c.3778G>A (p.Asp1260Asn)

Gene: DNAH7 (dynein axonemal heavy chain 7; minus strand). Cytogenetic location: 2q32.3.
Variant type: single nucleotide variant.
Coding change: c.3778G>A on transcript NM_018897.3 (MANE Select); coding-DNA position 3778, G replaced by A.
Protein change: p.Asp1260Asn; replaces aspartic acid 1260 with asparagine.
Molecular consequence: missense variant.
Genome position (GRCh38, 1-based): chr2:195,923,642, C>T on the plus strand (G>A on the coding strand, the complement: DNAH7 is on the minus strand). VCF-style: chr2-195923642-C-T. GRCh37 (hg19) VCF-style: chr2-196788366-C-T.
Other names: short protein forms D1260N.
Identifiers: ClinVar variation 775802 (VCV000775802.7), dbSNP rs189420137, ClinGen allele CA2035943.